The following is an entry in ClinVar:

ClinVar aggregate classification (germline): Uncertain significance. Review status: criteria provided, multiple submitters, no conflicts (2 of 4 stars). 2 submissions from 2 submitters: Uncertain significance (2). Last evaluated 2024-11-21.

Conditions:
Hereditary spastic paraplegia 7 (SPG7). Also called: SPG7-related neurologic disorder; Autosomal recessive spastic paraplegia type 7; SPASTIC PARAPLEGIA 7, AUTOSOMAL RECESSIVE, WITH OR WITHOUT CEREBELLAR ATAXIA; Spastic paraplegia 7; Hereditary spastic paraplegia Paraplegin type. Identifiers: Orphanet 99013, MedGen C1846564, MONDO:0011803, OMIM 607259.

Allele frequency attached by ClinVar (database versions not stated): gnomAD 0.00001 and 0.00002; gnomAD exomes 0.00001; TOPMed 0.00002.
gnomAD v4.1: 14 of 1,612,822 alleles (0.00087%); highest among the groups gnomAD compares: African/African-American, 0.0027%; no homozygotes.

Submissions (2):

Blueprint Genetics
Classification: Uncertain significance. Last evaluated: 2024-11-21. Review status: criteria provided, single submitter. Criteria: ACMG Guidelines, 2015. Collection method: clinical testing. Allele origin: germline.

Labcorp Genetics (formerly Invitae), Labcorp
Classification: Uncertain significance for Hereditary spastic paraplegia 7. Last evaluated: 2024-07-24. Review status: criteria provided, single submitter. Criteria: Invitae Variant Classification Sherloc (09022015). Collection method: clinical testing. Allele origin: germline.
Comment: This sequence change replaces arginine, which is basic and polar, with histidine, which is basic and polar, at codon 131 of the SPG7 protein (p.Arg131His). This variant is present in population databases (no rsID available, gnomAD 0.002%). This missense change has been observed in individual(s) with dominant optic atrophy (PMID: 32548275). ClinVar contains an entry for this variant (Variation ID: 1052558). Advanced modeling of protein sequence and biophysical properties (such as structural, functional, and spatial information, amino acid conservation, physicochemical variation, residue mobility, and thermodynamic stability) performed at Invitae indicates that this missense variant is not expected to disrupt SPG7 protein function with a negative predictive value of 80%. In summary, the available evidence is currently insufficient to determine the role of this variant in disease. Therefore, it has been classified as a Variant of Uncertain Significance.

Literature cited by the submitters: PubMed 32548275 (cited by Labcorp Genetics (formerly Invitae), Labcorp).

NM_003119.4(SPG7):c.392G>A (p.Arg131His)

Gene: SPG7 (SPG7 matrix AAA peptidase subunit, paraplegin; plus strand). Cytogenetic location: 16q24.3.
Variant type: single nucleotide variant.
Coding change: c.392G>A on transcript NM_003119.4 (MANE Select); coding-DNA position 392, G replaced by A.
Protein change: p.Arg131His; replaces arginine 131 with histidine.
Molecular consequence: missense variant.
Genome position (GRCh38, 1-based): chr16:89,524,021, G>A. VCF-style: chr16-89524021-G-A. GRCh37 (hg19) VCF-style: chr16-89590429-G-A.
Other names: c.392G>A, p.Arg131His (NM_001363850.1, NM_199367.3); short protein forms R131H.
Identifiers: ClinVar variation 1052558 (VCV001052558.9), dbSNP rs985921704, ClinGen allele CA286536927.
Genomic context (GRCh38, chr16:89,524,021, plus strand): 5'-TTGCTCATGTGTTTGTTTCTCCCTTTTGCTTCTCTGCCGGCTCAGAGGAGAGGAGACGCC[G>A]TGAGCGGGACGACCAGATGTACCGAGAGCGGCTGCGCACCTTGCTGGTCATCGCGGTTGT-3'
Protein context (NP_003110.1, residues 121-141): PEEDEEERRR[Arg131His]ERDDQMYRER